The following is an entry in ClinVar:

ClinVar aggregate classification (germline): Uncertain significance (1 of 4 stars; one submission).

Conditions:
Inborn genetic diseases. Identifiers: MedGen C0950123, MeSH D030342.

Allele frequency attached by ClinVar (database versions not stated): gnomAD exomes below 0.00001.
gnomAD v4.1: 1 of 1,612,596 alleles (0.000062%); highest among the groups gnomAD compares: Non-Finnish European, 0.000085%; no homozygotes.

Submission:

Ambry Genetics
Classification: Uncertain significance for Inborn genetic diseases. Last evaluated: 2023-07-29. Review status: criteria provided, single submitter. Criteria: Ambry Variant Classification Scheme 2023. Collection method: clinical testing. Allele origin: germline.
Comment: The p.P1570A variant (also known as c.4708C>G), located in coding exon 32 of the LRRK2 gene, results from a C to G substitution at nucleotide position 4708. The proline at codon 1570 is replaced by alanine, an amino acid with highly similar properties. This amino acid position is conserved. In addition, the in silico prediction for this alteration is inconclusive. Since supporting evidence is limited at this time, the clinical significance of this alteration remains unclear.

NM_198578.4(LRRK2):c.4708C>G (p.Pro1570Ala)

Gene: LRRK2 (leucine rich repeat kinase 2; plus strand). Cytogenetic location: 12q12.
Variant type: single nucleotide variant.
Coding change: c.4708C>G on transcript NM_198578.4 (MANE Select); coding-DNA position 4708, C replaced by G.
Protein change: p.Pro1570Ala; replaces proline 1570 with alanine.
Molecular consequence: missense variant.
Genome position (GRCh38, 1-based): chr12:40,314,143, C>G. VCF-style: chr12-40314143-C-G. GRCh37 (hg19) VCF-style: chr12-40707945-C-G.
Other names: short protein forms P1570A.
Identifiers: ClinVar variation 2587280 (VCV002587280.2), dbSNP rs2499847094, ClinGen allele CA384419102.